The following is an entry in ClinVar:

ClinVar aggregate classification (germline): Uncertain significance (1 of 4 stars; one submission).

Submission:

Greenwood Genetic Center Diagnostic Laboratories, Greenwood Genetic Center
Classification: Uncertain significance. Last evaluated: 2025-02-13. Review status: criteria provided, single submitter. Criteria: ACMG Guidelines, 2015. Collection method: clinical testing. Allele origin: germline.
Comment: PM2, PP3

NM_018100.4(EFHC1):c.1759G>C (p.Asp587His)

Gene: EFHC1 (EF-hand domain containing 1; plus strand). Cytogenetic location: 6p12.2.
Variant type: single nucleotide variant.
Coding change: c.1759G>C on transcript NM_018100.4 (MANE Select); coding-DNA position 1759, G replaced by C.
Protein change: p.Asp587His; replaces aspartic acid 587 with histidine.
Molecular consequence: missense variant. On other transcripts: non-coding transcript variant (1).
Genome position (GRCh38, 1-based): chr6:52,490,258, G>C. VCF-style: chr6-52490258-G-C. GRCh37 (hg19) VCF-style: chr6-52355056-G-C.
Other names: c.1702G>C, p.Asp568His (NM_001172420.2); short protein forms D568H, D587H.
Identifiers: ClinVar variation 4851682 (VCV004851682.1).
Genomic context (GRCh38, chr6:52,490,258, plus strand): 5'-CAGAAGCAACTGAAAGATCACTCATGCAAAGACAACATTCGTGAGGCATTTCAAATTTAT[G>C]ACAAGGAAGCTTCAGGATATGTGGACAGAGACATGTTCTTTAAAATCTGTGAATCGCTTA-3'
Protein context (NP_060570.2, residues 577-597): DNIREAFQIY[Asp587His]KEASGYVDRD